The following is an entry in ClinVar:

NM_002471.4(MYH6):c.2293-12C>G

Gene: MYH6 (myosin heavy chain 6; minus strand). Cytogenetic location: 14q11.2.
Variant type: single nucleotide variant.
Coding change: c.2293-12C>G on transcript NM_002471.4 (MANE Select); 12 bases into the intron before coding-DNA position 2293, C replaced by G.
Molecular consequence: intron variant.
Genome position (GRCh38, 1-based): chr14:23,396,432, G>C on the plus strand (C>G on the coding strand, the complement: MYH6 is on the minus strand). VCF-style: chr14-23396432-G-C. GRCh37 (hg19) VCF-style: chr14-23865641-G-C.
Identifiers: ClinVar variation 44462 (VCV000044462.18), dbSNP rs115453571, ClinGen allele CA134272.

ClinVar aggregate classification (germline): Benign/Likely benign. Review status: criteria provided, multiple submitters, no conflicts (2 of 4 stars). 8 submissions from 8 submitters: Benign (3); Likely benign (3). 2 of the submissions do not count toward it. Last evaluated 2026-01-26.

Conditions:
Hypertrophic cardiomyopathy 1 (CMH1). Also called: Familial hypertrophic cardiomyopathy 1; MYH7-Related Familial Hypertrophic Cardiomyopathy. Identifiers: MedGen C3495498, MONDO:0008647, OMIM 192600.
Hypertrophic cardiomyopathy 14. Identifiers: MedGen C2750467, MONDO:0013197, OMIM 613251.
Dilated cardiomyopathy 1EE (CMD1EE). Identifiers: Orphanet 154, MedGen C2750466, MONDO:0013198, OMIM 613252.
Atrial septal defect 3 (ASD3). Identifiers: Orphanet 1478, MedGen C3279790, MONDO:0013567, OMIM 614089.
Sick sinus syndrome 3, susceptibility to (SSS3). Identifiers: Orphanet 166282, MedGen C3279791, MONDO:0013568, OMIM 614090.

Allele frequency attached by ClinVar (database versions not stated): 1000 Genomes Project 0.00060; 1000 Genomes Project 30x 0.00094; ESP Exome Variant Server 0.00100; gnomAD 0.00175; TOPMed 0.00182.
gnomAD v4.1: 458 of 1,613,330 alleles (0.028%); highest among the groups gnomAD compares: African/African-American, 0.54%; 1 homozygote.

Submissions (8):

Labcorp Genetics (formerly Invitae), Labcorp
Classification: Benign for Hypertrophic cardiomyopathy 14. Last evaluated: 2026-01-26. Review status: criteria provided, single submitter. Criteria: Invitae Variant Classification Sherloc (09022015). Collection method: clinical testing. Allele origin: germline.

Women's Health and Genetics/Laboratory Corporation of America, LabCorp
Classification: Benign. Last evaluated: 2024-12-20. Review status: criteria provided, single submitter. Criteria: LabCorp Variant Classification Summary - May 2015. Collection method: clinical testing. Allele origin: germline.

Blueprint Genetics
Classification: Likely benign. Last evaluated: 2024-10-18. Review status: criteria provided, single submitter. Criteria: ACMG Guidelines, 2015. Collection method: clinical testing. Allele origin: germline.

Fulgent Genetics
Classification: Benign for Hypertrophic cardiomyopathy 1; Hypertrophic cardiomyopathy 14; Dilated cardiomyopathy 1EE; Atrial septal defect 3; Sick sinus syndrome 3, susceptibility to. Last evaluated: 2021-09-12. Review status: criteria provided, single submitter. Criteria: ACMG Guidelines, 2015. Collection method: clinical testing. Allele origin: unknown.

GeneDx
Classification: Likely benign. Last evaluated: 2020-07-13. Review status: criteria provided, single submitter. Criteria: GeneDx Variant Classification Process June 2021. Collection method: clinical testing. Allele origin: germline. Affected: yes.

Laboratory for Molecular Medicine, Mass General Brigham Personalized Medicine
Classification: Likely benign. Last evaluated: 2015-04-18. Review status: criteria provided, single submitter. Criteria: LMM Criteria. Collection method: clinical testing. Allele origin: germline. Observed: 4 variant alleles.
Comment: c.2293-12C>G in intron 19 of MYH6: This variant is not expected to have clinical significance because it has been identified in 0.5% (45/9834) of African chromo somes by the Exome Aggregation Consortium (ExAC; dbSNP rs115453571).

Clinical Genetics DNA and cytogenetics Diagnostics Lab, Erasmus MC, Erasmus Medical Center
Classification: Likely benign. Review status: no assertion criteria provided. Collection method: clinical testing. Allele origin: germline. Affected: yes. Study: VKGL Data-share Consensus. Not counted in ClinVar's aggregate classification.

Clinical Genetics, Academic Medical Center
Classification: Benign. Review status: no assertion criteria provided. Collection method: clinical testing. Allele origin: germline. Affected: yes. Study: VKGL Data-share Consensus. Not counted in ClinVar's aggregate classification.